The following is an entry in ClinVar:

NM_000338.3(SLC12A1):c.2805dup (p.Trp936fs)

Gene: SLC12A1 (solute carrier family 12 member 1; plus strand). Cytogenetic location: 15q21.1.
Variant type: Duplication.
Coding change: c.2805dup on transcript NM_000338.3 (MANE Select); coding-DNA position 2805, one base duplicated (A; older notation c.2805dupA).
Protein change: p.Trp936fs; shifts the reading frame from tryptophan 936.
Molecular consequence: frameshift variant.
Genome position (GRCh38, 1-based): chr15:48,288,448, A duplicated; the last of 7 consecutive A bases (chr15:48,288,442-48,288,448); duplicating any one gives the same sequence. VCF-style (leftmost placement, unchanged base first): chr15-48288441-G-GA. GRCh37 (hg19) VCF-style: chr15-48580638-G-GA.
Other names: c.2805dup (NM_000338.2); c.2805dup, p.Trp936fs (NM_001184832.2, NM_001384136.1); short protein forms W936fs.
Identifiers: ClinVar variation 1299701 (VCV001299701.7), dbSNP rs776749406, ClinGen allele CA7547526.
Genomic context (GRCh38, chr15:48,288,441, plus strand): 5'-GTCATAATTTATTCTTTATTCCAGGGTTAACACTTCTTATCCCCTATATCTTAACTCTCA[G>GA]AAAAAAATGGAAAGACTGTAAATTAAGAATCTATGTGGGAGGGAAGATCAACCGCATTGA-3'

ClinVar aggregate classification (germline): Pathogenic/Likely pathogenic. Review status: criteria provided, multiple submitters, no conflicts (2 of 4 stars). 5 submissions from 5 submitters: Pathogenic (4); Likely pathogenic (1). Last evaluated 2026-01-21.

Conditions:
SLC12A1-related disorder. Also called: SLC12A1-related condition.
Bartter disease type 1. Also called: Bartter Syndrome type 1; HYPOKALEMIC ALKALOSIS WITH HYPERCALCIURIA 1, ANTENATAL; Bartter syndrome, type 1, antenatal; HYPERPROSTAGLANDIN E SYNDROME 1. Identifiers: Orphanet 112, Orphanet 620217, MedGen C1866495, MONDO:0100344, OMIM 601678, MONDO:0011127.

Submissions (5):

GeneDx
Classification: Pathogenic. Last evaluated: 2026-01-21. Review status: criteria provided, single submitter. Criteria: GeneDx Variant Classification Process June 2021. Collection method: clinical testing. Allele origin: germline.
Comment: Frameshift variant predicted to result in protein truncation or nonsense mediated decay in a gene for which loss of function is a known mechanism of disease; Not observed at significant frequency in large population cohorts (gnomAD); This variant is associated with the following publications: (PMID: 37204857, 37078890, 29942493)

Fulgent Genetics
Classification: Pathogenic for Bartter disease type 1. Last evaluated: 2024-05-28. Review status: criteria provided, single submitter. Criteria: ACMG Guidelines, 2015. Collection method: clinical testing. Allele origin: germline.

Labcorp Genetics (formerly Invitae), Labcorp
Classification: Pathogenic. Last evaluated: 2023-11-10. Review status: criteria provided, single submitter. Criteria: Invitae Variant Classification Sherloc (09022015). Collection method: clinical testing. Allele origin: germline.
Comment: This sequence change creates a premature translational stop signal (p.Trp936Metfs*5) in the SLC12A1 gene. It is expected to result in an absent or disrupted protein product. Loss-of-function variants in SLC12A1 are known to be pathogenic (PMID: 8640224, 9585600, 19096086). This variant is not present in population databases (gnomAD no frequency). This premature translational stop signal has been observed in individual(s) with Bartter syndrome (PMID: 29942493). ClinVar contains an entry for this variant (Variation ID: 1299701). Algorithms developed to predict the effect of sequence changes on RNA splicing suggest that this variant may create or strengthen a splice site. For these reasons, this variant has been classified as Pathogenic.

Blueprint Genetics
Classification: Pathogenic for SLC12A1-related disorders. Last evaluated: 2020-11-05. Review status: criteria provided, single submitter. Criteria: ACMG Guidelines, 2015. Collection method: clinical testing. Allele origin: germline. Affected: yes. Observed: 2 variant alleles.

Breda Genetics srl
Classification: Likely pathogenic for Bartter disease type 1. Last evaluated: 2020-09-15. Review status: criteria provided, single submitter. Criteria: ACMG Guidelines, 2015. Collection method: clinical testing. Allele origin: germline. Inheritance: Autosomal recessive inheritance. Affected: no. Observed: 1 variant allele, 1 heterozygote.
Comment: The variant c.2805dup (p.Trp936Metfs*5) in the SLC12A1 gene is not reported in ClinVar but it is published in the literature as a likely pathogenic variant. It creates a shift in the reading frame which is predicted to result in a premature stop codon 5 amino acids downstream, which is likely to result in a truncated protein or protein loss due to nonsense-mediated messenger decay (NMD). There is no information on frequency in gnomAD or 1000 Genomes Project.

Literature cited by the submitters: PubMed 8640224 (cited by Labcorp Genetics (formerly Invitae), Labcorp); PubMed 9585600 (cited by Labcorp Genetics (formerly Invitae), Labcorp); PubMed 19096086 (cited by Labcorp Genetics (formerly Invitae), Labcorp); PubMed 29942493 (cited by Labcorp Genetics (formerly Invitae), Labcorp and Breda Genetics srl).